The following is an entry in ClinVar:

NM_000548.5(TSC2):c.1361+8del

Gene: TSC2 (TSC complex subunit 2; plus strand). Cytogenetic location: 16p13.3.
Variant type: Deletion.
Coding change: c.1361+8del on transcript NM_000548.5 (MANE Select); 8 bases into the intron after coding-DNA position 1361, one base deleted (G; older notation c.1361+8delG).
Molecular consequence: intron variant.
Genome position (GRCh38, 1-based): chr16:2,062,608, G deleted; the last of 5 consecutive G bases (chr16:2,062,604-2,062,608); deleting any one gives the same sequence. VCF-style (leftmost placement, unchanged base first): chr16-2062603-AG-A. GRCh37 (hg19) VCF-style: chr16-2112604-AG-A.
Other names: c.1361+8del (NM_001114382.3, NM_021055.3, NM_001370405.1 and 4 more transcripts); c.1250+8del (NM_001318827.2); c.761+8del (NM_001318831.2); c.1214+8del (NM_001318829.2); c.1394+8del (NM_001318832.2).
Identifiers: ClinVar variation 707278 (VCV000707278.12), dbSNP rs746102053, ClinGen allele CA029570.
Genomic context (GRCh38, chr16:2,062,603, plus strand): 5'-ACCCGGCCAAGGACGGCTGGATTCAGAACCTGCAGGCGCTGATGGAGAGATTCTTCAGGT[AG>A]GGGGTCCTCTGTAGCCTTGCCTGGCACCTGGAGCCTGGCCCTGTCTCTGTCTGGGGCCCA-3'

ClinVar aggregate classification (germline): Benign/Likely benign. Review status: criteria provided, multiple submitters, no conflicts (2 of 4 stars). 3 submissions from 3 submitters: Benign (1); Likely benign (2). Last evaluated 2025-10-15.

Conditions:
Tuberous sclerosis 2 (TSC2). Identifiers: Orphanet 805, MedGen C1860707, MONDO:0013199, OMIM 613254.
Tuberous sclerosis syndrome (TSC). Also called: Tuberous Sclerosis Complex; Tuberous sclerosis. Identifiers: Orphanet 805, MedGen C0041341, MONDO:0001734.

Submissions (3):

Labcorp Genetics (formerly Invitae), Labcorp
Classification: Benign for Tuberous sclerosis 2. Last evaluated: 2025-10-15. Review status: criteria provided, single submitter. Criteria: Invitae Variant Classification Sherloc (09022015). Collection method: clinical testing. Allele origin: germline.

Myriad Genetics, Inc.
Classification: Likely benign for Tuberous sclerosis 2. Last evaluated: 2025-05-13. Review status: criteria provided, single submitter. Criteria: Myriad Autosomal Dominant, Autosomal Recessive and X-Linked Classification Criteria (2023). Collection method: clinical testing. Allele origin: unknown.
Comment: This variant is considered likely benign. This variant is intronic and is not expected to impact mRNA splicing.

All of Us Research Program, National Institutes of Health
Classification: Likely benign for Tuberous sclerosis syndrome. Last evaluated: 2024-07-20. Review status: criteria provided, single submitter. Criteria: ACMG Guidelines, 2015. Collection method: clinical testing. Allele origin: germline. Inheritance: Autosomal dominant inheritance. Observed: 1 variant allele, 1 heterozygote.
Comment: This study involves interpretation of variants in research participants for the purpose of population health screening. Participant phenotype was not available at the time of variant classification. Additional details can be found in publication PMID: 35346344, PMCID: PMC8962531